The following is an entry in ClinVar:

NC_000007.14:g.(?_94395012)_(94399104_?)del

Gene: COL1A2 (collagen type I alpha 2 chain; plus strand). Cytogenetic location: 7q21.3.
Variant type: Deletion.
Identifiers: ClinVar variation 456800 (VCV000456800.10).

ClinVar aggregate classification (germline): Pathogenic. Review status: criteria provided, single submitter (1 of 4 stars). 2 submissions from 1 submitter: Pathogenic (2). Last evaluated 2017-06-15.

Conditions:
Osteogenesis imperfecta type I (OI1). Also called: OI, TYPE I; OSTEOGENESIS IMPERFECTA TARDA; OSTEOGENESIS IMPERFECTA WITH BLUE SCLERAE; Classic Non-deforming Osteogenesis Imperfecta with Blue Sclerae; Lobstein disease; Osteogenesis imperfecta type 1. Identifiers: Orphanet 216796, Orphanet 666, MedGen C0023931, MONDO:0008146, OMIM 166200. Disease mechanism: loss of function.
Ehlers-Danlos syndrome, classic type (cEDS). Identifiers: Orphanet 287, MedGen C4225429, MONDO:0007522.
Ehlers-Danlos syndrome, classic type, 1 (EDSCL1). Also called: EHLERS-DANLOS SYNDROME, GRAVIS TYPE; EHLERS-DANLOS SYNDROME, SEVERE CLASSIC TYPE; EDS I; Ehlers-Danlos Syndrome, Classic Type, COL5A1-Related; Ehlers-Danlos syndrome, type 1. Identifiers: MedGen C0268335, MONDO:0019567, OMIM 130000.

Submissions (2):

Labcorp Genetics (formerly Invitae), Labcorp
Classification: Pathogenic for Osteogenesis imperfecta type I; Ehlers-Danlos syndrome, classic type, 1. Last evaluated: 2017-06-15. Review status: criteria provided, single submitter. Criteria: Invitae Variant Classification Sherloc (09022015). Collection method: clinical testing. Allele origin: germline.
Comment: This variant is a gross deletion of the genomic region encompassing exons 1-4 of the COL1A2 gene, which includes the initiator codon. The 5' end of this event is unknown as it extends beyond the assayed region for this gene and therefore may encompass additional genes. The 3' boundary is likely confined to intron 4 of the COL1A2 gene. This is expected to result in an absent or disrupted protein product. This deletion has not been reported in the literature in individuals with a COL1A2-related disease. Loss-of-function variants in COL1A2 are known to be pathogenic (PMID: 9099837, 3372533). For these reasons, this variant has been classified as Pathogenic.

Labcorp Genetics (formerly Invitae), Labcorp
Classification: Pathogenic for Osteogenesis imperfecta type I; Ehlers-Danlos syndrome, classic type, 1. Last evaluated: 2017-06-07. Review status: criteria provided, single submitter. Criteria: Invitae Variant Classification Sherloc (09022015). Collection method: clinical testing. Allele origin: germline.
Comment: For these reasons, this variant has been classified as Pathogenic. Loss-of-function variants in COL1A2 are known to be pathogenic (PMID: 9099837, 3372533). This deletion has not been reported in the literature in individuals with a COL1A2-related disease. This variant is a gross deletion of the genomic region encompassing exons 1-4 of the COL1A2 gene, which includes the initiator codon. The 5' end of this event is unknown as it extends beyond the assayed region for this gene and therefore may encompass additional genes. The 3' boundary is likely confined to intron 4 of the COL1A2 gene. This is expected to result in an absent or disrupted protein product.

Literature cited by the submitters: PubMed 9099837; PubMed 3372533.